The following is an entry in ClinVar:

ClinVar aggregate classification (germline): Conflicting classifications of pathogenicity. Review status: criteria provided, conflicting classifications (1 of 4 stars). 4 submissions from 4 submitters: Uncertain significance (3); Likely benign (1). Last evaluated 2025-11-28.

Conditions:
Inborn genetic diseases. Identifiers: MedGen C0950123, MeSH D030342.

Allele frequency attached by ClinVar (database versions not stated): TOPMed 0.00011; gnomAD 0.00014 and 0.00019; ESP Exome Variant Server 0.00017; gnomAD exomes 0.00018 and 0.00026; ExAC 0.00021; 1000 Genomes Project 0.00040; 1000 Genomes Project 30x 0.00062.
gnomAD v4.1: 395 of 1,613,958 alleles (0.024%); highest among the groups gnomAD compares: South Asian, 0.082%; 1 homozygote.

Submissions (4):

Labcorp Genetics (formerly Invitae), Labcorp
Classification: Uncertain significance. Last evaluated: 2025-11-28. Review status: criteria provided, single submitter. Criteria: Invitae Variant Classification Sherloc (09022015). Collection method: clinical testing. Allele origin: germline.
Comment: This sequence change replaces valine, which is neutral and non-polar, with methionine, which is neutral and non-polar, at codon 825 of the DNA2 protein (p.Val825Met). This variant is present in population databases (rs201513130, gnomAD 0.09%). This variant has not been reported in the literature in individuals affected with DNA2-related conditions. ClinVar contains an entry for this variant (Variation ID: 1223786). Invitae Evidence Modeling of protein sequence and biophysical properties (such as structural, functional, and spatial information, amino acid conservation, physicochemical variation, residue mobility, and thermodynamic stability) has been performed for this missense variant. However, the output from this modeling did not meet the statistical confidence thresholds required to predict the impact of this variant on DNA2 protein function. In summary, the available evidence is currently insufficient to determine the role of this variant in disease. Therefore, it has been classified as a Variant of Uncertain Significance.

Ambry Genetics
Classification: Uncertain significance for Inborn genetic diseases. Last evaluated: 2025-08-05. Review status: criteria provided, single submitter. Criteria: Ambry Variant Classification Scheme 2023. Collection method: clinical testing. Allele origin: germline.

Mayo Clinic Laboratories, Mayo Clinic
Classification: Uncertain significance. Last evaluated: 2025-03-06. Review status: criteria provided, single submitter. Criteria: ACMG Guidelines, 2015. Collection method: clinical testing. Allele origin: germline. Observed: 1 variant allele.

GeneDx
Classification: Likely benign. Last evaluated: 2024-05-29. Review status: criteria provided, single submitter. Criteria: GeneDx Variant Classification Process June 2021. Collection method: clinical testing. Allele origin: germline. Affected: yes.
Comment: See Variant Classification Assertion Criteria.

NM_001080449.3(DNA2):c.2473G>A (p.Val825Met)

Gene: DNA2 (DNA replication helicase/nuclease 2; minus strand). Cytogenetic location: 10q21.3.
Variant type: single nucleotide variant.
Coding change: c.2473G>A on transcript NM_001080449.3 (MANE Select); coding-DNA position 2473, G replaced by A.
Protein change: p.Val825Met; replaces valine 825 with methionine.
Molecular consequence: missense variant. On other transcripts: non-coding transcript variant (1).
Genome position (GRCh38, 1-based): chr10:68,422,534, C>T on the plus strand (G>A on the coding strand, the complement: DNA2 is on the minus strand). VCF-style: chr10-68422534-C-T. GRCh37 (hg19) VCF-style: chr10-70182291-C-T.
Other names: p.Val825Met; short protein forms V825M.
Identifiers: ClinVar variation 1223786 (VCV001223786.12), dbSNP rs201513130, ClinGen allele CA5524805.
Genomic context (GRCh38, chr10:68,422,534, plus strand): 5'-CAAACATGAAAACCACTCCTAGCTAACACTGTTACAAATACCTGTTCATTCTGTACTGCA[C>T]GGTTAACTGTACAACAGCACTCTTATTCTGCTCCAGCCTCTTGAATAAGCTTTCACTCAT-3'
Protein context (NP_001073918.2, residues 815-835): QNKSAVVQLT[Val825Met]QYRMNSKIMS